The following is an entry in ClinVar:

ClinVar aggregate classification (germline): Benign/Likely benign. Review status: criteria provided, multiple submitters, no conflicts (2 of 4 stars). 18 submissions from 18 submitters: Benign (9); Likely benign (1). 8 of the submissions do not count toward it. Last evaluated 2026-02-04.

Conditions:
Inborn genetic diseases. Identifiers: MedGen C0950123, MeSH D030342.
Neuronal ceroid lipofuscinosis. Also called: Neuronal Ceroid Lipofuscinoses. Identifiers: Orphanet 216, Orphanet 79263, MedGen C0027877, MONDO:0016295. Disease mechanism: loss of function.
Neuronal ceroid lipofuscinosis 5 (CLN5). Also called: CEROID LIPOFUSCINOSIS, NEURONAL, 5, VARIABLE AGE AT ONSET; Neuronal ceroid lipofuscinosis Finnish variant; NEURONAL CEROID LIPOFUSCINOSIS, LATE INFANTILE, FINNISH VARIANT; CLN5-Related Neuronal Ceroid-Lipofuscinosis. Identifiers: Orphanet 168491, Orphanet 228360, MedGen C1850442, MONDO:0009745, OMIM 256731.

Allele frequency attached by ClinVar (database versions not stated): gnomAD exomes 0.14130; ExAC 0.14174; ESP Exome Variant Server 0.18826; gnomAD 0.19109 and 0.19521; TOPMed 0.21006; 1000 Genomes Project 0.24461; 1000 Genomes Project 30x 0.24781.
gnomAD v4.1: 166,324 of 1,603,422 alleles (10%); highest among the groups gnomAD compares: African/African-American, 42%; 14,419 homozygotes.

Submissions (18):

Labcorp Genetics (formerly Invitae), Labcorp
Classification: Benign for Neuronal ceroid lipofuscinosis. Last evaluated: 2026-02-04. Review status: criteria provided, single submitter. Criteria: Invitae Variant Classification Sherloc (09022015). Collection method: clinical testing. Allele origin: germline.

Unidad de Genómica Garrahan, Hospital de Pediatría Garrahan
Classification: Benign. Last evaluated: 2024-07-15. Review status: criteria provided, single submitter. Criteria: ACMG Guidelines, 2015. Collection method: clinical testing. Allele origin: germline. Affected: no. Observed: 23 variant alleles.
Comment: This variant is classified as Benign based on local population frequency. This variant was detected in 25% of patients studied in a panel designed for Epileptic and Developmental Encephalopathy and Progressive Myoclonus Epilepsy. Number of patients: 23. Only high quality variants are reported.

Women's Health and Genetics/Laboratory Corporation of America, LabCorp
Classification: Likely benign. Last evaluated: 2022-05-03. Review status: criteria provided, single submitter. Criteria: LabCorp Variant Classification Summary - May 2015. Collection method: clinical testing. Allele origin: germline.

Genome-Nilou Lab
Classification: Benign for Neuronal ceroid lipofuscinosis 5. Last evaluated: 2021-07-10. Review status: criteria provided, single submitter. Criteria: ACMG Guidelines, 2015. Collection method: clinical testing. Allele origin: germline. Affected: no.

Illumina Laboratory Services, Illumina
Classification: Benign for Neuronal ceroid lipofuscinosis 5. Last evaluated: 2018-01-12. Review status: criteria provided, single submitter. Criteria: ICSL Variant Classification Criteria 13 December 2019. Collection method: clinical testing. Allele origin: germline.
Comment: This variant was observed in the ICSL laboratory as part of a predisposition screen in an ostensibly healthy population. It had not been previously curated by ICSL or reported in the Human Gene Mutation Database (HGMD: prior to June 1st, 2018), and was therefore a candidate for classification through an automated scoring system. Utilizing variant allele frequency, disease prevalence and penetrance estimates, and inheritance mode, an automated score was calculated to assess if this variant is too frequent to cause the disease. Based on the score and internal cut-off values, a variant classified as benign is not then subjected to further curation. The score for this variant resulted in a classification of benign for this disease.

Ambry Genetics
Classification: Benign for Inborn genetic diseases. Last evaluated: 2016-03-02. Review status: criteria provided, single submitter. Criteria: Ambry Variant Classification Scheme 2023. Collection method: clinical testing. Allele origin: germline.

GeneDx
Classification: Benign. Last evaluated: 2015-03-03. Review status: criteria provided, single submitter. Criteria: GeneDx Variant Classification Process June 2021. Collection method: clinical testing. Allele origin: germline. Affected: yes.

Eurofins Ntd Llc (ga)
Classification: Benign. Last evaluated: 2014-11-08. Review status: criteria provided, single submitter. Criteria: EGL Classification Definitions 2015. Collection method: clinical testing. Allele origin: germline. Observed: 2 variant alleles, 2 heterozygotes.

Breakthrough Genomics
Classification: Benign. Review status: criteria provided, single submitter. Criteria: ACMG Guidelines, 2015. Collection method: not provided. Allele origin: germline. Inheritance: Autosomal recessive inheritance. Affected: yes.

PreventionGenetics, part of Exact Sciences
Classification: Benign. Review status: criteria provided, single submitter. Criteria: ACMG Guidelines, 2015. Collection method: clinical testing. Allele origin: germline.

Natera, Inc.
Classification: Benign for Neuronal ceroid lipofuscinosis. Last evaluated: 2020-09-16. Review status: no assertion criteria provided. Collection method: clinical testing. Allele origin: germline. Not counted in ClinVar's aggregate classification.

Mayo Clinic Laboratories, Mayo Clinic
Classification: Benign. Last evaluated: 2015-10-19. Review status: no assertion criteria provided. Collection method: clinical testing. Allele origin: unknown. Not counted in ClinVar's aggregate classification.

Clinical Genetics DNA and cytogenetics Diagnostics Lab, Erasmus MC, Erasmus Medical Center
Classification: Benign. Review status: no assertion criteria provided. Collection method: clinical testing. Allele origin: germline. Affected: yes. Study: VKGL Data-share Consensus. Not counted in ClinVar's aggregate classification.

Diagnostic Laboratory, Department of Genetics, University Medical Center Groningen
Classification: Benign for Neuronal ceroid lipofuscinosis 5. Review status: no assertion criteria provided. Collection method: clinical testing. Allele origin: germline. Affected: yes. Study: VKGL Data-share Consensus. Not counted in ClinVar's aggregate classification.

Genetic Services Laboratory, University of Chicago
Classification: Likely benign for AllHighlyPenetrant. Review status: no assertion criteria provided. Collection method: clinical testing. Allele origin: germline. Inheritance: Autosomal recessive inheritance. Not counted in ClinVar's aggregate classification.
Comment: Likely benign based on allele frequency in 1000 Genomes Project or ESP global frequency and its presence in a patient with a rare or unrelated disease phenotype. NOT Sanger confirmed.

Genome Diagnostics Laboratory, Amsterdam University Medical Center
Classification: Benign. Review status: no assertion criteria provided. Collection method: clinical testing. Allele origin: germline. Affected: yes. Study: VKGL Data-share Consensus. Not counted in ClinVar's aggregate classification.

Genome Diagnostics Laboratory, University Medical Center Utrecht
Classification: Benign. Review status: no assertion criteria provided. Collection method: clinical testing. Allele origin: germline. Affected: yes. Study: VKGL Data-share Consensus. Not counted in ClinVar's aggregate classification.

Joint Genome Diagnostic Labs from Nijmegen and Maastricht, Radboudumc and MUMC+
Classification: Benign. Review status: no assertion criteria provided. Collection method: clinical testing. Allele origin: germline. Affected: yes. Study: VKGL Data-share Consensus. Not counted in ClinVar's aggregate classification.

NM_006493.4(CLN5):c.956A>G (p.Lys319Arg)

Gene: CLN5 (CLN5 lysosomal BMP synthase; plus strand). Cytogenetic location: 13q22.3.
Variant type: single nucleotide variant.
Coding change: c.956A>G on transcript NM_006493.4 (MANE Select); coding-DNA position 956, A replaced by G.
Protein change: p.Lys319Arg; replaces lysine 319 with arginine.
Molecular consequence: missense variant. On other transcripts: 3 prime UTR variant (1).
Genome position (GRCh38, 1-based): chr13:77,000,848, A>G. VCF-style: chr13-77000848-A-G. GRCh37 (hg19) VCF-style: chr13-77574983-A-G.
Other names: c.1103A>G (LRG_692t1); c.*405A>G (NM_001366624.2); short protein forms K319R.
Identifiers: ClinVar variation 128778 (VCV000128778.42), dbSNP rs1800209, ClinGen allele CA152426.
Genomic context (GRCh38, chr13:77,000,848, plus strand): 5'-TGCCAACTAAAGAATTTCTGTTGAGTCTCTTGCAAATTTTTGATGCAGTGATTGTGCACA[A>G]ACAGTTCTATTTGTTTTATAATTTTGAATATTGGTTTTTACCTATGAAATTCCCTTTTAT-3'
Protein context (NP_006484.2, residues 309-329): LQIFDAVIVH[Lys319Arg]QFYLFYNFEY